The following is an entry in ClinVar:

ClinVar aggregate classification (germline): Uncertain significance (1 of 4 stars; one submission).

Conditions:
Malignant hyperthermia, susceptibility to, 5 (MHS5). Also called: CACNA1S-Related Malignant Hyperthermia Susceptibility. Identifiers: Orphanet 423, MedGen C1866077, MONDO:0011163, OMIM 601887.

Submission:

All of Us Research Program, National Institutes of Health
Classification: Uncertain significance for Malignant hyperthermia, susceptibility to, 5. Last evaluated: 2023-10-06. Review status: criteria provided, single submitter. Criteria: ACMG Guidelines, 2015. Collection method: clinical testing. Allele origin: germline. Inheritance: Autosomal dominant inheritance. Observed: 1 variant allele, 1 heterozygote.
Comment: This missense variant replaces leucine with valine at codon 652 of the CACNA1S protein. Computational prediction suggests that this variant may have deleterious impact on protein structure and function (internally defined REVEL score threshold >= 0.7, PMID: 27666373). To our knowledge, functional studies have not been reported for this variant. This variant has not been reported in individuals affected with CACNA1S-related disorders in the literature. This variant has not been identified in the general population by the Genome Aggregation Database (gnomAD). The available evidence is insufficient to determine the role of this variant in disease conclusively. Therefore, this variant is classified as a Variant of Uncertain Significance.

This study involves interpretation of variants in research participants for the purpose of population health screening. Participant phenotype was not available at the time of variant classification. Additional details can be found in publication PMID: 35346344, PMCID: PMC8962531

NM_000069.3(CACNA1S):c.1954C>G (p.Leu652Val)

Gene: CACNA1S (calcium voltage-gated channel subunit alpha1 S; minus strand). Cytogenetic location: 1q32.1.
Variant type: single nucleotide variant.
Coding change: c.1954C>G on transcript NM_000069.3 (MANE Select); coding-DNA position 1954, C replaced by G.
Protein change: p.Leu652Val; replaces leucine 652 with valine.
Molecular consequence: missense variant.
Genome position (GRCh38, 1-based): chr1:201,074,615, G>C on the plus strand (C>G on the coding strand, the complement: CACNA1S is on the minus strand). VCF-style: chr1-201074615-G-C. GRCh37 (hg19) VCF-style: chr1-201043743-G-C.
Other names: short protein forms L652V.
Identifiers: ClinVar variation 3073723 (VCV003073723.1), dbSNP rs781471427, ClinGen allele CA344115468.